The following is an entry in ClinVar:

ClinVar aggregate classification (germline): Pathogenic. Review status: reviewed by expert panel (3 of 4 stars). 10 submissions from 10 submitters: Pathogenic (1). 9 of the submissions do not count toward it. Last evaluated 2016-09-08.

Conditions:
Hereditary cancer-predisposing syndrome. Also called: Tumor predisposition; Neoplastic Syndromes, Hereditary; Hereditary Cancer Syndrome; Hereditary neoplastic syndrome. Identifiers: Orphanet 140162, MedGen C0027672, MeSH D009386, MONDO:0015356.
Hereditary breast ovarian cancer syndrome. Also called: Hereditary breast and ovarian cancer syndrome (HBOC); Hereditary breast and ovarian cancer syndrome; Hereditary breast and ovarian cancer; Hereditary breast and/or ovarian cancer syndrome; Breast and ovarian cancer; BRCA1- and BRCA2-Associated Hereditary Breast and Ovarian Cancer. Identifiers: Orphanet 145, MedGen C0677776, MeSH D061325, MONDO:0003582. Disease mechanism: loss of function.
Breast-ovarian cancer, familial, susceptibility to, 1 (BROVCA1). Also called: OVARIAN CANCER, SUSCEPTIBILITY TO; BRCA1 Hereditary Breast and Ovarian Cancer. Identifiers: Orphanet 145, MedGen C2676676, MONDO:0011450, OMIM 604370. Disease mechanism: loss of function.

Submissions (10):

Evidence-based Network for the Interpretation of Germline Mutant Alleles (ENIGMA)
Classification: Pathogenic for Breast-ovarian cancer, familial, susceptibility to, 1. Last evaluated: 2016-09-08. Review status: reviewed by expert panel. Criteria: ENIGMA BRCA1/2 Classification Criteria (2015). Collection method: curation. Allele origin: germline.
Comment: Variant allele predicted to encode a truncated non-functional protein.

Labcorp Genetics (formerly Invitae), Labcorp
Classification: Pathogenic for Hereditary breast ovarian cancer syndrome. Last evaluated: 2025-11-18. Review status: criteria provided, single submitter. Criteria: Invitae Variant Classification Sherloc (09022015). Collection method: clinical testing. Allele origin: germline. Not counted in ClinVar's aggregate classification.
Comment: This sequence change creates a premature translational stop signal (p.Glu572Thrfs*12) in the BRCA1 gene. It is expected to result in an absent or disrupted protein product. Loss-of-function variants in BRCA1 are known to be pathogenic (PMID: 20104584). This variant is not present in population databases (gnomAD no frequency). This premature translational stop signal has been observed in individual(s) with breast cancer and ovarian cancer (PMID: 9150171, 9667259, 12048272, 12491487, 16234499). It has also been observed to segregate with disease in related individuals. This variant is also known as 1832del5. ClinVar contains an entry for this variant (Variation ID: 54331). For these reasons, this variant has been classified as Pathogenic.

Quest Diagnostics Nichols Institute San Juan Capistrano
Classification: Pathogenic. Last evaluated: 2024-11-25. Review status: criteria provided, single submitter. Criteria: Quest Diagnostics criteria. Collection method: clinical testing. Allele origin: unknown. Not counted in ClinVar's aggregate classification.
Comment: The BRCA1 c.1713_1717del (p.Glu572Thrfs*12) variant alters the translational reading frame of the BRCA1 mRNA and causes the premature termination of BRCA1 protein synthesis. This variant has been described in the published literature in as a founder variant in the African American population and has been detected in individuals with a personal and/or family history of breast and/or ovarian cancer (PMIDs: 9150171 (1997), 9667259 (1998), 16234499 (2005), 18159056 (2007) and 25428789 (2015), 32025337 (2020), and 35216584 (2022)). This variant has not been reported in large, multi-ethnic general populations (Genome Aggregation Database). Based on the available information, this variant is classified as pathogenic.

GeneDx
Classification: Pathogenic. Last evaluated: 2024-02-27. Review status: criteria provided, single submitter. Criteria: GeneDx Variant Classification Process June 2021. Collection method: clinical testing. Allele origin: germline. Affected: yes. Not counted in ClinVar's aggregate classification.
Comment: Frameshift variant predicted to result in protein truncation or nonsense mediated decay in a gene for which loss of function is a known mechanism of disease; Not observed at significant frequency in large population cohorts (gnomAD); Truncating variants in this gene are considered pathogenic by a well-established clinical consortium and/or database; Also known as 1832del5, 1832_1836delAGAAT; This variant is associated with the following publications: (PMID: 11030417, 12716036, 15322516, 9150171, 9667259, 16234499, 17591843, 10630184, 23958087, 10800284, 12491487, 15863708, 12048272, 25428789, 18159056, 30322717)

Baylor Genetics
Classification: Pathogenic for Breast-ovarian cancer, familial, susceptibility to, 1. Last evaluated: 2022-11-22. Review status: criteria provided, single submitter. Criteria: ACMG Guidelines, 2015. Collection method: clinical testing. Allele origin: unknown. Not counted in ClinVar's aggregate classification.

Ambry Genetics
Classification: Pathogenic for Hereditary cancer-predisposing syndrome. Last evaluated: 2022-03-14. Review status: criteria provided, single submitter. Criteria: Ambry Variant Classification Scheme 2023. Collection method: clinical testing. Allele origin: germline. Not counted in ClinVar's aggregate classification.
Comment: The c.1713_1717delAGAAT pathogenic mutation, located in coding exon 9 of the BRCA1 gene, results from a deletion of 5 nucleotides at nucleotide positions 1713 to 1717, causing a translational frameshift with a predicted alternate stop codon (p.E572Tfs*12). This mutation has been reported in multiple individuals and families with breast and/or ovarian cancer (Euhus DM et al. J. Natl. Cancer Inst., 2002 Jun;94:844-51; Frank TS et al. J. Clin. Oncol., 1998 Jul;16:2417-25; Gao Q et al. Am. J. Hum. Genet., 1997 May;60:1233-6). This mutation has also been reported as a potential founder mutation in African Americans based on haplotype analysis (Gao Q et al. Am. J. Hum. Genet., 1997 May;60:1233-6; Olopade OI et al. Cancer, 2003 Jan;97:236-45). This variant is considered to be rare based on population cohorts in the Genome Aggregation Database (gnomAD). In addition to the clinical data presented in the literature, this alteration is expected to result in loss of function by premature protein truncation or nonsense-mediated mRNA decay. As such, this alteration is interpreted as a disease-causing mutation.

Consortium of Investigators of Modifiers of BRCA1/2 (CIMBA), c/o University of Cambridge
Classification: Pathogenic for Breast-ovarian cancer, familial, susceptibility to, 1. Last evaluated: 2015-10-02. Review status: criteria provided, single submitter. Criteria: CIMBA Mutation Classification guidelines May 2016. Collection method: clinical testing. Allele origin: germline. Not counted in ClinVar's aggregate classification.

Research Molecular Genetics Laboratory, Women's College Hospital, University of Toronto
Classification: Pathogenic for Hereditary breast ovarian cancer syndrome. Last evaluated: 2014-01-31. Review status: no assertion criteria provided. Collection method: research. Allele origin: germline. Affected: yes. Study: The Canadian Open Genetics Repository (COGR). Not counted in ClinVar's aggregate classification.

Sharing Clinical Reports Project (SCRP)
Classification: Pathogenic for Breast-ovarian cancer, familial 1. Last evaluated: 2006-03-09. Review status: no assertion criteria provided. Collection method: clinical testing. Allele origin: germline. Not counted in ClinVar's aggregate classification.

Breast Cancer Information Core (BIC) (BRCA1)
Classification: Pathogenic for Breast-ovarian cancer, familial 1. Last evaluated: 1997-11-14. Review status: no assertion criteria provided. Collection method: clinical testing. Allele origin: germline. Affected: yes. Observed: 2 variant alleles. Not counted in ClinVar's aggregate classification.

Literature cited by the submitters: PubMed 20104584 (cited by Labcorp Genetics (formerly Invitae), Labcorp); PubMed 9150171 (cited by 3 submitters); PubMed 9667259 (cited by 3 submitters); PubMed 12048272 (cited by Labcorp Genetics (formerly Invitae), Labcorp and Ambry Genetics); PubMed 12491487 (cited by Labcorp Genetics (formerly Invitae), Labcorp and Ambry Genetics); PubMed 16234499 (cited by Labcorp Genetics (formerly Invitae), Labcorp and Quest Diagnostics Nichols Institute San Juan Capistrano); PubMed 18159056 (cited by Quest Diagnostics Nichols Institute San Juan Capistrano); PubMed 25428789 (cited by Quest Diagnostics Nichols Institute San Juan Capistrano); PubMed 35216584 (cited by Quest Diagnostics Nichols Institute San Juan Capistrano); PubMed 32025337 (cited by Quest Diagnostics Nichols Institute San Juan Capistrano).

NM_007294.4(BRCA1):c.1713_1717del (p.Glu572fs)

Gene: BRCA1 (BRCA1 DNA repair associated; minus strand). Cytogenetic location: 17q21.31.
Variant type: Deletion.
Coding change: c.1713_1717del on transcript NM_007294.4 (MANE Select); coding-DNA positions 1713 to 1717, 5 bases deleted (AGAAT; older notation c.1713_1717delAGAAT).
Protein change: p.Glu572fs; shifts the reading frame from glutamic acid 572.
Molecular consequence: frameshift variant. On other transcripts: intron variant (137).
Genome position (GRCh38, 1-based): chr17:43,093,814-43,093,818, ATTCT deleted on the plus strand (AGAAT on the coding strand, the reverse complement: BRCA1 is on the minus strand); deleting any 5 consecutive bases within chr17:43,093,814-43,093,821 gives the same sequence; the c. name uses the placement nearest the transcript's 3' end. VCF-style (leftmost placement, unchanged base first): chr17-43093813-GATTCT-G. GRCh37 (hg19) VCF-style: chr17-41245830-GATTCT-G.
Other names: 1832del5; c.1713_1717delAGAAT (NM_007294.3); c.1500_1504del, p.Glu501fs (NM_001407916.1, NM_001407917.1, NM_001407918.1 and 9 more transcripts); c.1590_1594del, p.Glu531fs (NM_001407919.1, NM_001407937.1, NM_001407938.1 and 19 more transcripts); c.1449_1453del, p.Glu484fs (NM_001407920.1, NM_001407921.1, NM_001407922.1 and 9 more transcripts); c.1446_1450del, p.Glu483fs (NM_001407930.1, NM_001407931.1, NM_001407932.1 and 2 more transcripts); c.1587_1591del, p.Glu530fs (NM_001407940.1, NM_001407941.1, NM_001407649.1 and 11 more transcripts); c.1572_1576del, p.Glu525fs (NM_001407942.1, NM_001407944.1, NM_001407945.1 and 29 more transcripts); and 42 more; short protein forms E572fs, E525fs, E276fs, E460fs, E461fs, E483fs, E505fs, E530fs.
Identifiers: ClinVar variation 54331 (VCV000054331.22), dbSNP rs80357640, ClinGen allele CA001122.